The following is an entry in ClinVar:

ClinVar aggregate classification (germline): Uncertain significance (1 of 4 stars; one submission).

Submission:

Labcorp Genetics (formerly Invitae), Labcorp
Classification: Uncertain significance. Last evaluated: 2025-05-22. Review status: criteria provided, single submitter. Criteria: Invitae Variant Classification Sherloc (09022015). Collection method: clinical testing. Allele origin: germline.
Comment: This sequence change replaces glutamic acid, which is acidic and polar, with alanine, which is neutral and non-polar, at codon 218 of the CFP protein (p.Glu218Ala). This variant is present in population databases (no rsID available, gnomAD 0.001%). This variant has not been reported in the literature in individuals affected with CFP-related conditions. Invitae Evidence Modeling of protein sequence and biophysical properties (such as structural, functional, and spatial information, amino acid conservation, physicochemical variation, residue mobility, and thermodynamic stability) indicates that this missense variant is not expected to disrupt CFP protein function with a negative predictive value of 80%. In summary, the available evidence is currently insufficient to determine the role of this variant in disease. Therefore, it has been classified as a Variant of Uncertain Significance.

NM_001145252.3(CFP):c.653A>C (p.Glu218Ala)

Gene: CFP (complement factor properdin; minus strand). Cytogenetic location: Xp11.23.
Variant type: single nucleotide variant.
Coding change: c.653A>C on transcript NM_001145252.3 (MANE Select); coding-DNA position 653, A replaced by C.
Protein change: p.Glu218Ala; replaces glutamic acid 218 with alanine.
Molecular consequence: missense variant.
Genome position (GRCh38, 1-based): chrX:47,627,254, T>G on the plus strand (A>C on the coding strand, the complement: CFP is on the minus strand). VCF-style: chrX-47627254-T-G. GRCh37 (hg19) VCF-style: chrX-47486653-T-G.
Other names: c.653A>C, p.Glu218Ala (NM_002621.2); short protein forms E218A.
Identifiers: ClinVar variation 4744217 (VCV004744217.1).